The following is an entry in ClinVar:

ClinVar aggregate classification (germline): Uncertain significance (1 of 4 stars; one submission).

Submission:

Labcorp Genetics (formerly Invitae), Labcorp
Classification: Uncertain significance. Last evaluated: 2022-05-29. Review status: criteria provided, single submitter. Criteria: Invitae Variant Classification Sherloc (09022015). Collection method: clinical testing. Allele origin: germline.
Comment: Algorithms developed to predict the effect of missense changes on protein structure and function (SIFT, PolyPhen-2, Align-GVGD) all suggest that this variant is likely to be tolerated. This sequence change replaces asparagine, which is neutral and polar, with aspartic acid, which is acidic and polar, at codon 563 of the EMC1 protein (p.Asn563Asp). This variant is not present in population databases (gnomAD no frequency). This variant has not been reported in the literature in individuals affected with EMC1-related conditions. In summary, the available evidence is currently insufficient to determine the role of this variant in disease. Therefore, it has been classified as a Variant of Uncertain Significance.

NM_015047.3(EMC1):c.1687A>G (p.Asn563Asp)

Genes: EMC1 (ER membrane protein complex subunit 1; minus strand), EMC1-AS1 (EMC1 antisense RNA 1; plus strand). Cytogenetic location: 1p36.13.
Variant type: single nucleotide variant.
Coding change: c.1687A>G on transcript NM_015047.3 (MANE Select); coding-DNA position 1687, A replaced by G.
Protein change: p.Asn563Asp; replaces asparagine 563 with aspartic acid.
Molecular consequence: missense variant.
Genome position (GRCh38, 1-based): chr1:19,232,719, T>C on the plus strand (A>G on the coding strand, the complement: EMC1 is on the minus strand). VCF-style: chr1-19232719-T-C. GRCh37 (hg19) VCF-style: chr1-19559213-T-C.
Other names: c.1684A>G, p.Asn562Asp (NM_001271427.2, NM_001271428.2); c.1621A>G, p.Asn541Asp (NM_001271429.2); c.1696A>G, p.Asn566Asp (NM_001375820.1); c.1693A>G, p.Asn565Asp (NM_001375821.1); short protein forms N541D, N562D, N565D, N566D, N563D.
Identifiers: ClinVar variation 2000649 (VCV002000649.4), dbSNP rs2151949443, ClinGen allele CA338761007.